The following is an entry in ClinVar:

NM_001386135.1(AFF3):c.2475C>T (p.Asn825=)

Gene: AFF3 (ALF transcription elongation factor 3; minus strand). Cytogenetic location: 2q11.2.
Variant type: single nucleotide variant.
Coding change: c.2475C>T on transcript NM_001386135.1 (MANE Select); coding-DNA position 2475, C replaced by T.
Protein change: p.Asn825=; no amino-acid change (asparagine 825 retained).
Molecular consequence: synonymous variant.
Genome position (GRCh38, 1-based): chr2:99,587,270, G>A on the plus strand (C>T on the coding strand, the complement: AFF3 is on the minus strand). VCF-style: chr2-99587270-G-A. GRCh37 (hg19) VCF-style: chr2-100203732-G-A.
Other names: c.2550C>T, p.Asn850= (NM_001025108.2); c.2475C>T, p.Asn825= (NM_002285.3).
Identifiers: ClinVar variation 3057773 (VCV003057773.2), dbSNP rs549276799, ClinGen allele CA1800872.
Genomic context (GRCh38, chr2:99,587,270, plus strand): 5'-CAGTCTTGAAGAGCTGTCTTTCTCTCCCTGGGACTTCTTGATCTCCCTGTAGTCGTCTTC[G>A]TTGTCACACTGTATGGGAATAAACTAAAGTCAATCAGCACTGGATTTCAAGAGGTATTAT-3'
Protein context (NP_001373064.1, residues 815-835): PKSKRKRKCD[Asn825=]EDDYREIKKS

ClinVar aggregate classification (germline): Likely benign (0 of 4 stars; one submission).

Conditions:
AFF3-related disorder. Also called: AFF3-related condition.

Allele frequency attached by ClinVar (database versions not stated): ExAC 0.00001; TOPMed 0.00002; gnomAD 0.00003.
gnomAD v4.1: 24 of 1,613,932 alleles (0.0015%); highest among the groups gnomAD compares: East Asian, 0.0045%; no homozygotes.

Submission:

PreventionGenetics, part of Exact Sciences
Classification: Likely benign for AFF3-related condition. Last evaluated: 2019-03-20. Review status: no assertion criteria provided. Collection method: clinical testing. Allele origin: germline.
Comment: This variant is classified as likely benign based on ACMG/AMP sequence variant interpretation guidelines (Richards et al. 2015 PMID: 25741868, with internal and published modifications).